The following is an entry in ClinVar:

ClinVar aggregate classification (germline): Uncertain significance (1 of 4 stars; one submission).

Conditions:
Hydatidiform mole, recurrent, 3. Identifiers: MedGen C5193093, MONDO:0032746, OMIM 618431.

Submission:

Juno Genomics, Hangzhou Juno Genomics, Inc
Classification: Uncertain significance for Hydatidiform mole, recurrent, 3. Review status: criteria provided, single submitter. Criteria: ACMG Guidelines, 2015. Collection method: clinical testing. Allele origin: germline.
Comment: Absent from controls (or at extremely low frequency if recessive) in Genome Aggregation Database.;For recessive disorders, detected in trans with a pathogenic variant.

NM_152513.4(MEI1):c.1510A>C (p.Thr504Pro)

Gene: MEI1 (meiotic double-stranded break formation protein 1; plus strand). Cytogenetic location: 22q13.2.
Variant type: single nucleotide variant.
Coding change: c.1510A>C on transcript NM_152513.4 (MANE Select); coding-DNA position 1510, A replaced by C.
Protein change: p.Thr504Pro; replaces threonine 504 with proline.
Molecular consequence: missense variant.
Genome position (GRCh38, 1-based): chr22:41,745,036, A>C. VCF-style: chr22-41745036-A-C. GRCh37 (hg19) VCF-style: chr22-42141040-A-C.
Other names: short protein forms T504P.
Identifiers: ClinVar variation 5006501 (VCV005006501.2).